The following is an entry in ClinVar:

NM_006231.4(POLE):c.2087C>T (p.Pro696Leu)

Gene: POLE (DNA polymerase epsilon, catalytic subunit; minus strand). Cytogenetic location: 12q24.33.
Variant type: single nucleotide variant.
Coding change: c.2087C>T on transcript NM_006231.4 (MANE Select); coding-DNA position 2087, C replaced by T.
Protein change: p.Pro696Leu; replaces proline 696 with leucine.
Molecular consequence: missense variant.
Genome position (GRCh38, 1-based): chr12:132,668,442, G>A on the plus strand (C>T on the coding strand, the complement: POLE is on the minus strand). VCF-style: chr12-132668442-G-A. GRCh37 (hg19) VCF-style: chr12-133245028-G-A.
Other names: short protein forms P696L.
Identifiers: ClinVar variation 240420 (VCV000240420.22), dbSNP rs766037063, ClinGen allele CA6893688.

ClinVar aggregate classification (germline): Uncertain significance. Review status: criteria provided, multiple submitters, no conflicts (2 of 4 stars). 5 submissions from 5 submitters: Uncertain significance (5). Last evaluated 2025-10-03.

Conditions:
Hereditary cancer-predisposing syndrome. Also called: Tumor predisposition; Neoplastic Syndromes, Hereditary; Hereditary Cancer Syndrome; Hereditary neoplastic syndrome. Identifiers: Orphanet 140162, MedGen C0027672, MeSH D009386, MONDO:0015356.

Allele frequency attached by ClinVar (database versions not stated): ExAC 0.00001; gnomAD 0.00001; gnomAD exomes 0.00001; TOPMed 0.00001.
gnomAD v4.1: 20 of 1,612,548 alleles (0.0012%); highest among the groups gnomAD compares: Admixed American, 0.0033%; no homozygotes.

Submissions (5):

GeneDx
Classification: Uncertain significance. Last evaluated: 2025-10-03. Review status: criteria provided, single submitter. Criteria: GeneDx Variant Classification Process June 2021. Collection method: clinical testing. Allele origin: germline. Affected: yes.
Comment: Not observed at significant frequency in large population cohorts (gnomAD); In silico analysis supports that this missense variant has a deleterious effect on protein structure/function; This variant is associated with the following publications: (PMID: 20951805, 34326862, 37095444, 28873162)

Center for Genomic Medicine, Rigshospitalet, Copenhagen University Hospital
Classification: Uncertain significance. Last evaluated: 2025-03-04. Review status: criteria provided, single submitter. Criteria: ACMG Guidelines, 2015. Collection method: clinical testing. Allele origin: germline.

Labcorp Genetics (formerly Invitae), Labcorp
Classification: Uncertain significance. Last evaluated: 2024-12-18. Review status: criteria provided, single submitter. Criteria: Invitae Variant Classification Sherloc (09022015). Collection method: clinical testing. Allele origin: germline.
Comment: This sequence change replaces proline, which is neutral and non-polar, with leucine, which is neutral and non-polar, at codon 696 of the POLE protein (p.Pro696Leu). This variant is present in population databases (rs766037063, gnomAD 0.002%). This missense change has been observed in individual(s) with POLE-related conditions (PMID: 28873162, 34326862). ClinVar contains an entry for this variant (Variation ID: 240420). Invitae Evidence Modeling of protein sequence and biophysical properties (such as structural, functional, and spatial information, amino acid conservation, physicochemical variation, residue mobility, and thermodynamic stability) indicates that this missense variant is expected to disrupt POLE protein function with a positive predictive value of 80%. In summary, the available evidence is currently insufficient to determine the role of this variant in disease. Therefore, it has been classified as a Variant of Uncertain Significance.

Ambry Genetics
Classification: Uncertain significance for Hereditary cancer-predisposing syndrome. Last evaluated: 2024-12-04. Review status: criteria provided, single submitter. Criteria: Ambry Variant Classification Scheme 2023. Collection method: clinical testing. Allele origin: germline.
Comment: The p.P696L variant (also known as c.2087C>T), located in coding exon 19 of the POLE gene, results from a C to T substitution at nucleotide position 2087. The proline at codon 696 is replaced by leucine, an amino acid with similar properties. This amino acid position is highly conserved in available vertebrate species. In addition, the in silico prediction for this alteration is inconclusive. Based on the available evidence, the clinical significance of this variant remains unclear.

Quest Diagnostics Nichols Institute San Juan Capistrano
Classification: Uncertain significance. Last evaluated: 2018-11-13. Review status: criteria provided, single submitter. Criteria: Quest Diagnostics criteria. Collection method: clinical testing. Allele origin: germline.

Literature cited by the submitters: PubMed 28873162 (cited by Labcorp Genetics (formerly Invitae), Labcorp and Quest Diagnostics Nichols Institute San Juan Capistrano); PubMed 34326862 (cited by Labcorp Genetics (formerly Invitae), Labcorp).